The following is an entry in ClinVar:

ClinVar aggregate classification (germline): Pathogenic (1 of 4 stars; one submission).

Submission:

ISCA site 4
Classification: Pathogenic. Last evaluated: 2011-08-12. Review status: criteria provided, single submitter. Criteria: Kaminsky et al. (Genet Med. 2011). Collection method: clinical testing. Allele origin: unknown. Affected: yes. Observed: 1 variant allele.
Comment: Copy number variation identified through the course of routine clinical cytogenomic testing in postnatal populations. Clinical assertions have been curated as described in Kaminsky et al. 2011.

GRCh38/hg38 18q23(chr18:78869005-80252149)x1

Genes: ADNP2 (ADNP homeobox 2; plus strand), ATP9B (ATPase phospholipid transporting 9B (putative); plus strand), CTDP1 (CTD phosphatase subunit 1; plus strand), CTDP1-DT (CTDP1 divergent transcript; minus strand), HSBP1L1 (heat shock factor binding protein 1 like 1; plus strand) and 69 more. Cytogenetic location: 18q23.
Variant type: copy number loss.
Change: copy number 1 (one copy instead of two) of chr18:78,869,005-80,252,149 (1.38 Mb, GRCh38 coordinates, 1-based), cytogenetic band 18q23.
Identifiers: ClinVar variation 60036 (VCV000060036.1).